The following is an entry in ClinVar:

NM_000027.4(AGA):c.454C>A (p.Gln152Lys)

Gene: AGA (aspartylglucosaminidase; minus strand). Cytogenetic location: 4q34.3.
Variant type: single nucleotide variant.
Coding change: c.454C>A on transcript NM_000027.4 (MANE Select); coding-DNA position 454, C replaced by A.
Protein change: p.Gln152Lys; replaces glutamine 152 with lysine.
Molecular consequence: missense variant. On other transcripts: non-coding transcript variant (1).
Genome position (GRCh38, 1-based): chr4:177,438,798, G>T on the plus strand (C>A on the coding strand, the complement: AGA is on the minus strand). VCF-style: chr4-177438798-G-T. GRCh37 (hg19) VCF-style: chr4-178359952-G-T.
Other names: c.454C>A, p.Gln152Lys (NM_001171988.2); short protein forms Q152K.
Identifiers: ClinVar variation 2060563 (VCV002060563.4), dbSNP rs991950983, ClinGen allele CA110789675.

ClinVar aggregate classification (germline): Uncertain significance. Review status: criteria provided, multiple submitters, no conflicts (2 of 4 stars). 2 submissions from 2 submitters: Uncertain significance (2). Last evaluated 2023-11-27.

Conditions:
Aspartylglucosaminuria (AGU). Also called: GLYCOASPARAGINASE; GLYCOSYLASPARAGINASE DEFICIENCY; Aspartylglucos-aminuria; Aspartylglucos-amidase (AGA) deficiency; AGA DEFICIENCY. Identifiers: Orphanet 93, MedGen C0268225, MONDO:0008830, OMIM 208400, HP:0012068.

Allele frequency attached by ClinVar (database versions not stated): TOPMed below 0.00001.
gnomAD v4.1: 3 of 1,611,870 alleles (0.00019%); highest among the groups gnomAD compares: Admixed American, 0.0017%; no homozygotes.

Submissions (2):

Labcorp Genetics (formerly Invitae), Labcorp
Classification: Uncertain significance for Aspartylglucosaminuria. Last evaluated: 2023-11-27. Review status: criteria provided, single submitter. Criteria: Invitae Variant Classification Sherloc (09022015). Collection method: clinical testing. Allele origin: germline.
Comment: This sequence change replaces glutamine, which is neutral and polar, with lysine, which is basic and polar, at codon 152 of the AGA protein (p.Gln152Lys). This variant is not present in population databases (gnomAD no frequency). This variant has not been reported in the literature in individuals affected with AGA-related conditions. ClinVar contains an entry for this variant (Variation ID: 2060563). Advanced modeling of protein sequence and biophysical properties (such as structural, functional, and spatial information, amino acid conservation, physicochemical variation, residue mobility, and thermodynamic stability) performed at Invitae indicates that this missense variant is not expected to disrupt AGA protein function with a negative predictive value of 80%. In summary, the available evidence is currently insufficient to determine the role of this variant in disease. Therefore, it has been classified as a Variant of Uncertain Significance.

Blueprint Genetics
Classification: Uncertain significance. Last evaluated: 2021-07-27. Review status: criteria provided, single submitter. Criteria: ACMG Guidelines, 2015. Collection method: clinical testing. Allele origin: germline.